The following is an entry in ClinVar:

NM_006420.3(ARFGEF2):c.1848G>A (p.Thr616=)

Gene: ARFGEF2 (ARF guanine nucleotide exchange factor 2; plus strand). Cytogenetic location: 20q13.13.
Variant type: single nucleotide variant.
Coding change: c.1848G>A on transcript NM_006420.3 (MANE Select); coding-DNA position 1848, G replaced by A.
Protein change: p.Thr616=; no amino-acid change (threonine 616 retained).
Molecular consequence: synonymous variant.
Genome position (GRCh38, 1-based): chr20:48,976,089, G>A. VCF-style: chr20-48976089-G-A. GRCh37 (hg19) VCF-style: chr20-47592626-G-A.
Other names: c.1845G>A, p.Thr615= (NM_001410846.1).
Identifiers: ClinVar variation 4872105 (VCV004872105.2).
Genomic context (GRCh38, chr20:48,976,089, plus strand): 5'-CACGGATCAGGAAATAGGGGATGGGAAAGGCCTTGACATGGCAAGACGGTGTAGTGTGAC[G>A]TCCATGGAGTCCACAGTGTCCTCGGGGACCCAGACAACTGTTCAGGATGACCCTGAGCAA-3'
Protein context (NP_006411.2, residues 606-626): GLDMARRCSV[Thr616=]SMESTVSSGT

ClinVar aggregate classification (germline): Likely benign (1 of 4 stars; one submission).

gnomAD v4.1: 11 of 1,613,366 alleles (0.00068%); highest among the groups gnomAD compares: South Asian, 0.0044%; no homozygotes.

Submission:

CeGaT Center for Human Genetics Tuebingen
Classification: Likely benign. Last evaluated: 2026-04-01. Review status: criteria provided, single submitter. Criteria: CeGaT Center For Human Genetics Tuebingen Variant Classification Criteria Version 2. Collection method: clinical testing. Allele origin: germline. Affected: yes. Observed: 1 variant allele.
Comment: ARFGEF2: BP4, BP7